The following is an entry in ClinVar:

ClinVar aggregate classification (germline): Uncertain significance (1 of 4 stars; one submission).

Conditions:
Shprintzen-Goldberg syndrome (SGS). Also called: SHPRINTZEN-GOLDBERG CRANIOSYNOSTOSIS SYNDROME; CRANIOSYNOSTOSIS WITH ARACHNODACTYLY AND ABDOMINAL HERNIAS; Marfanoid disorder with craniosynostosis type 1; Marfanoid craniosynostosis syndrome; Shprintzen-Goldberg marfanoid syndrome. Identifiers: Orphanet 2462, MedGen C1321551, MONDO:0008426, OMIM 182212.

Submission:

Labcorp Genetics (formerly Invitae), Labcorp
Classification: Uncertain significance for Shprintzen-Goldberg syndrome. Last evaluated: 2023-10-22. Review status: criteria provided, single submitter. Criteria: Invitae Variant Classification Sherloc (09022015). Collection method: clinical testing. Allele origin: germline.
Comment: This variant results in a copy number gain of the genomic region encompassing exon(s) 2-7 of the SKI gene. This region includes the termination codon of the gene. This copy number gain extends beyond the assayed region for this gene and therefore may encompass additional genes. As the precise location of this event is unknown, it may be in tandem or it may be located elsewhere in the genome. This variant has not been reported in the literature in individuals affected with SKI-related conditions. In summary, the available evidence is currently insufficient to determine the role of this variant in disease. Therefore, it has been classified as a Variant of Uncertain Significance.

NC_000001.10:g.(?_2234397)_(2238204_?)dup

Gene: SKI (SKI proto-oncogene; plus strand). Cytogenetic location: 1p36.33.
Variant type: Duplication.
Identifiers: ClinVar variation 2424608 (VCV002424608.4).